The following is an entry in ClinVar:

ClinVar aggregate classification (germline): Uncertain significance (1 of 4 stars; one submission).

Conditions:
Hereditary cancer-predisposing syndrome. Also called: Neoplastic Syndromes, Hereditary; Tumor predisposition; Hereditary Cancer Syndrome; Hereditary neoplastic syndrome. Identifiers: Orphanet 140162, MedGen C0027672, MeSH D009386, MONDO:0015356.

Submission:

Ambry Genetics
Classification: Uncertain significance for Hereditary cancer-predisposing syndrome. Last evaluated: 2025-09-10. Review status: criteria provided, single submitter. Criteria: Ambry Variant Classification Scheme 2023. Collection method: clinical testing. Allele origin: germline.
Comment: The p.T5P variant (also known as c.13A>C), located in coding exon 1 of the SDHAF2 gene, results from an A to C substitution at nucleotide position 13. The threonine at codon 5 is replaced by proline, an amino acid with highly similar properties. This amino acid position is conserved. In addition, this alteration is predicted to be tolerated by in silico analysis. Based on the available evidence, the clinical significance of this variant remains unclear.

NM_017841.4(SDHAF2):c.13A>C (p.Thr5Pro)

Gene: SDHAF2 (succinate dehydrogenase complex assembly factor 2; plus strand). Cytogenetic location: 11q12.2.
Variant type: single nucleotide variant.
Coding change: c.13A>C on transcript NM_017841.4 (MANE Select); coding-DNA position 13, A replaced by C.
Protein change: p.Thr5Pro; replaces threonine 5 with proline.
Molecular consequence: missense variant.
Genome position (GRCh38, 1-based): chr11:61,430,159, A>C. VCF-style: chr11-61430159-A-C. GRCh37 (hg19) VCF-style: chr11-61197631-A-C.
Other names: short protein forms T5P.
Identifiers: ClinVar variation 4161215 (VCV004161215.1).